The following is an entry in ClinVar:

NM_004863.4(SPTLC2):c.511A>G (p.Ile171Val)

Gene: SPTLC2 (serine palmitoyltransferase long chain base subunit 2; minus strand). Cytogenetic location: 14q24.3.
Variant type: single nucleotide variant.
Coding change: c.511A>G on transcript NM_004863.4 (MANE Select); coding-DNA position 511, A replaced by G.
Protein change: p.Ile171Val; replaces isoleucine 171 with valine.
Molecular consequence: missense variant.
Genome position (GRCh38, 1-based): chr14:77,576,887, T>C on the plus strand (A>G on the coding strand, the complement: SPTLC2 is on the minus strand). VCF-style: chr14-77576887-T-C. GRCh37 (hg19) VCF-style: chr14-78043230-T-C.
Other names: short protein forms I171V.
Identifiers: ClinVar variation 1348674 (VCV001348674.8), dbSNP rs763924228, ClinGen allele CA7289428.

ClinVar aggregate classification (germline): Uncertain significance (1 of 4 stars; one submission).

Conditions:
Neuropathy, hereditary sensory and autonomic, type 1C. Also called: HSAN IC; HSN IC. Identifiers: Orphanet 36386, MedGen C3150896, MONDO:0013337, OMIM 613640.

Allele frequency attached by ClinVar (database versions not stated): ExAC 0.00001; gnomAD 0.00001; gnomAD exomes 0.00001.
gnomAD v4.1: 11 of 1,614,056 alleles (0.00068%); highest among the groups gnomAD compares: Admixed American, 0.0033%; no homozygotes.

Submission:

Labcorp Genetics (formerly Invitae), Labcorp
Classification: Uncertain significance for Neuropathy, hereditary sensory and autonomic, type 1C. Last evaluated: 2024-10-30. Review status: criteria provided, single submitter. Criteria: Invitae Variant Classification Sherloc (09022015). Collection method: clinical testing. Allele origin: germline.
Comment: This sequence change replaces isoleucine, which is neutral and non-polar, with valine, which is neutral and non-polar, at codon 171 of the SPTLC2 protein (p.Ile171Val). This variant is present in population databases (rs763924228, gnomAD 0.006%). This variant has not been reported in the literature in individuals affected with SPTLC2-related conditions. ClinVar contains an entry for this variant (Variation ID: 1348674). Invitae Evidence Modeling of protein sequence and biophysical properties (such as structural, functional, and spatial information, amino acid conservation, physicochemical variation, residue mobility, and thermodynamic stability) indicates that this missense variant is not expected to disrupt SPTLC2 protein function with a negative predictive value of 80%. In summary, the available evidence is currently insufficient to determine the role of this variant in disease. Therefore, it has been classified as a Variant of Uncertain Significance.